The following is an entry in ClinVar:

ClinVar aggregate classification (germline): Uncertain significance (1 of 4 stars; one submission).

Conditions:
Jeune thoracic dystrophy. Also called: Short-rib thoracic dysplasia; Jeune syndrome; Infantile thoracic dystrophy; Thoracic pelvic phalangeal dystrophy; Jeune's syndrome; Chondroectodermal dysplasia-like syndrome. Identifiers: Orphanet 474, MedGen C0265275, MONDO:0018770.

gnomAD v4.1: 1 of 1,614,170 alleles (0.000062%); highest among the groups gnomAD compares: Middle Eastern, 0.016%; no homozygotes.

Submission:

Labcorp Genetics (formerly Invitae), Labcorp
Classification: Uncertain significance for Jeune thoracic dystrophy. Last evaluated: 2022-02-09. Review status: criteria provided, single submitter. Criteria: Invitae Variant Classification Sherloc (09022015). Collection method: clinical testing. Allele origin: germline.
Comment: Algorithms developed to predict the effect of missense changes on protein structure and function are either unavailable or do not agree on the potential impact of this missense change (SIFT: "Deleterious"; PolyPhen-2: "Benign"; Align-GVGD: "Class C25"). In summary, the available evidence is currently insufficient to determine the role of this variant in disease. Therefore, it has been classified as a Variant of Uncertain Significance. This variant has not been reported in the literature in individuals affected with IFT80-related conditions. This variant is not present in population databases (gnomAD no frequency). This sequence change replaces aspartic acid, which is acidic and polar, with alanine, which is neutral and non-polar, at codon 240 of the IFT80 protein (p.Asp240Ala).

NM_020800.3(IFT80):c.719A>C (p.Asp240Ala)

Genes: IFT80 (intraflagellar transport 80; minus strand), TRIM59-IFT80 (TRIM59-IFT80 readthrough (NMD candidate); minus strand). Cytogenetic location: 3q25.33.
Variant type: single nucleotide variant.
Coding change: c.719A>C on transcript NM_020800.3 (MANE Select); coding-DNA position 719, A replaced by C.
Protein change: p.Asp240Ala; replaces aspartic acid 240 with alanine.
Molecular consequence: missense variant. On other transcripts: non-coding transcript variant (3).
Genome position (GRCh38, 1-based): chr3:160,356,071, T>G on the plus strand (A>C on the coding strand, the complement: IFT80 is on the minus strand). VCF-style: chr3-160356071-T-G. GRCh37 (hg19) VCF-style: chr3-160073859-T-G.
Other names: c.308A>C, p.Asp103Ala (NM_001190241.2, NM_001190242.2); short protein forms D103A, D240A.
Identifiers: ClinVar variation 1907302 (VCV001907302.5), dbSNP rs1218930601, ClinGen allele CA355192794.